The following is an entry in ClinVar:

NM_015599.3(PGM3):c.532G>A (p.Ala178Thr)

Gene: PGM3 (phosphoglucomutase 3; minus strand). Cytogenetic location: 6q14.1.
Variant type: single nucleotide variant.
Coding change: c.532G>A on transcript NM_015599.3 (MANE Select); coding-DNA position 532, G replaced by A.
Protein change: p.Ala178Thr; replaces alanine 178 with threonine.
Molecular consequence: missense variant. On other transcripts: non-coding transcript variant (1).
Genome position (GRCh38, 1-based): chr6:83,182,904, C>T on the plus strand (G>A on the coding strand, the complement: PGM3 is on the minus strand). VCF-style: chr6-83182904-C-T. GRCh37 (hg19) VCF-style: chr6-83892623-C-T.
Other names: c.616G>A, p.Ala206Thr (NM_001199917.2, NM_001367287.1); c.289G>A, p.Ala97Thr (NM_001199918.2); c.532G>A, p.Ala178Thr (NM_001199919.2, NM_001367286.1); short protein forms A97T, A178T, A206T.
Identifiers: ClinVar variation 1478794 (VCV001478794.5), dbSNP rs1041974128, ClinGen allele CA141952095.

ClinVar aggregate classification (germline): Uncertain significance (1 of 4 stars; one submission).

Conditions:
Immunodeficiency 23 (IMD23). Also called: IMMUNODEFICIENCY WITH HYPER IgE AND COGNITIVE IMPAIRMENT; IMMUNODEFICIENCY-VASCULITIS-MYOCLONUS SYNDROME. Identifiers: Orphanet 443811, MedGen C4014371, MONDO:0014353, OMIM 615816.

gnomAD v4.1: 1 of 1,614,032 alleles (0.000062%); no homozygotes.

Submission:

Labcorp Genetics (formerly Invitae), Labcorp
Classification: Uncertain significance for Immunodeficiency 23. Last evaluated: 2021-11-02. Review status: criteria provided, single submitter. Criteria: Invitae Variant Classification Sherloc (09022015). Collection method: clinical testing. Allele origin: germline.
Comment: In summary, the available evidence is currently insufficient to determine the role of this variant in disease. Therefore, it has been classified as a Variant of Uncertain Significance. Algorithms developed to predict the effect of missense changes on protein structure and function are either unavailable or do not agree on the potential impact of this missense change (SIFT: "Deleterious"; PolyPhen-2: "Possibly Damaging"; Align-GVGD: "Class C0"). This variant has not been reported in the literature in individuals affected with PGM3-related conditions. This variant is not present in population databases (gnomAD no frequency). This sequence change replaces alanine, which is neutral and non-polar, with threonine, which is neutral and polar, at codon 206 of the PGM3 protein (p.Ala206Thr).